The following is an entry in ClinVar:

ClinVar aggregate classification (germline): Likely benign. Review status: criteria provided, multiple submitters, no conflicts (2 of 4 stars). 2 submissions from 2 submitters: Likely benign (2). Last evaluated 2025-12-29.

Conditions:
Hereditary cancer. Identifiers: MedGen C1333600.
Hereditary breast ovarian cancer syndrome. Also called: Hereditary breast and ovarian cancer; Hereditary breast and ovarian cancer syndrome; Hereditary breast and ovarian cancer syndrome (HBOC); Breast and ovarian cancer; BRCA1- and BRCA2-Associated Hereditary Breast and Ovarian Cancer; Hereditary breast and/or ovarian cancer syndrome. Identifiers: Orphanet 145, MedGen C0677776, MeSH D061325, MONDO:0003582. Disease mechanism: loss of function.

Allele frequency attached by ClinVar (database versions not stated): gnomAD exomes below 0.00001.
gnomAD v4.1: 1 of 1,611,436 alleles (0.000062%); highest among the groups gnomAD compares: Non-Finnish European, 0.000085%; no homozygotes.

Submissions (3):

Labcorp Genetics (formerly Invitae), Labcorp
Classification: Likely benign for Hereditary breast ovarian cancer syndrome. Last evaluated: 2025-12-29. Review status: criteria provided, single submitter. Criteria: Invitae Variant Classification Sherloc (09022015). Collection method: clinical testing. Allele origin: germline.

Mendelics
Classification: Likely benign for Hereditary cancer. Last evaluated: 2024-01-23. Review status: criteria provided, single submitter. Criteria: ACMG Guidelines, 2015. Collection method: clinical testing. Allele origin: unknown.

Brotman Baty Institute, University of Washington
No classification provided (evidence only). Condition: Breast-ovarian cancer, familial 1. Review status: no classification provided. Collection method: in vitro. Allele origin: not applicable. Functional consequence: functionally_normal. Not counted in ClinVar's aggregate classification.
ClinVar note: "not provided" was previously submitted as the classification for the variant. However, the classification appeared to be based only on an observation of functional data so it was converted to no classification on 2025-07-30.

NM_007294.4(BRCA1):c.5064T>C (p.Val1688=)

Gene: BRCA1 (BRCA1 DNA repair associated; minus strand). Cytogenetic location: 17q21.31.
Variant type: single nucleotide variant.
Coding change: c.5064T>C on transcript NM_007294.4 (MANE Select); coding-DNA position 5064, T replaced by C.
Protein change: p.Val1688=; no amino-acid change (valine 1688 retained).
Molecular consequence: synonymous variant. On other transcripts: intron variant (1).
Genome position (GRCh38, 1-based): chr17:43,067,618, A>G on the plus strand (T>C on the coding strand, the complement: BRCA1 is on the minus strand). VCF-style: chr17-43067618-A-G. GRCh37 (hg19) VCF-style: chr17-41219635-A-G.
Other names: c.1371T>C, p.Val457= (NM_001408511.1); c.4851T>C, p.Val1617= (NM_001407571.1, NM_001407894.1, NM_001407895.1 and 12 more transcripts); c.1251T>C, p.Val417= (NM_001408512.1); c.5130T>C, p.Val1710= (NM_001407581.1, NM_001407582.1); c.1224T>C, p.Val408= (NM_001408513.1); c.5127T>C, p.Val1709= (NM_001407583.1, NM_001407585.1, NM_001407587.1 and 1 more transcripts); c.4923T>C, p.Val1641= (NM_007297.4, NM_001407692.1, NM_001407694.1 and 13 more transcripts); c.1752T>C, p.Val584= (NM_007298.4, NM_007299.4, NM_007304.2 and 13 more transcripts); and 71 more.
Identifiers: ClinVar variation 584945 (VCV000584945.15), dbSNP rs1567771967, ClinGen allele CA500146306.